The following is an entry in ClinVar:

ClinVar aggregate classification (germline): Uncertain significance (1 of 4 stars; one submission).

Conditions:
Hereditary cancer-predisposing syndrome. Also called: Tumor predisposition; Neoplastic Syndromes, Hereditary; Hereditary Cancer Syndrome; Hereditary neoplastic syndrome. Identifiers: Orphanet 140162, MedGen C0027672, MeSH D009386, MONDO:0015356.

Submission:

Labcorp Genetics (formerly Invitae), Labcorp
Classification: Uncertain significance for Hereditary cancer-predisposing syndrome. Last evaluated: 2022-07-01. Review status: criteria provided, single submitter. Criteria: Invitae Variant Classification Sherloc (09022015). Collection method: clinical testing. Allele origin: germline.
Comment: This variant has not been reported in the literature in individuals affected with RAD50-related conditions. This variant is not present in population databases (gnomAD no frequency). This sequence change replaces lysine, which is basic and polar, with glutamic acid, which is acidic and polar, at codon 1032 of the RAD50 protein (p.Lys1032Glu). In summary, the available evidence is currently insufficient to determine the role of this variant in disease. Therefore, it has been classified as a Variant of Uncertain Significance. Algorithms developed to predict the effect of missense changes on protein structure and function (SIFT, PolyPhen-2, Align-GVGD) all suggest that this variant is likely to be tolerated.

NM_005732.4(RAD50):c.3094A>G (p.Lys1032Glu)

Gene: RAD50 (RAD50 double strand break repair protein; plus strand). Cytogenetic location: 5q31.1.
Variant type: single nucleotide variant.
Coding change: c.3094A>G on transcript NM_005732.4 (MANE Select); coding-DNA position 3094, A replaced by G.
Protein change: p.Lys1032Glu; replaces lysine 1032 with glutamic acid.
Molecular consequence: missense variant.
Genome position (GRCh38, 1-based): chr5:132,616,060, A>G. VCF-style: chr5-132616060-A-G. GRCh37 (hg19) VCF-style: chr5-131951752-A-G.
Other names: short protein forms K1032E.
Identifiers: ClinVar variation 2012738 (VCV002012738.4), dbSNP rs2479384376, ClinGen allele CA360963612.